The following is an entry in ClinVar:

NM_000038.6(APC):c.139G>T (p.Val47Leu)

Gene: APC (APC regulator of Wnt signaling pathway; plus strand). Cytogenetic location: 5q22.2.
Variant type: single nucleotide variant.
Coding change: c.139G>T on transcript NM_000038.6 (MANE Select); coding-DNA position 139, G replaced by T.
Protein change: p.Val47Leu; replaces valine 47 with leucine.
Molecular consequence: missense variant. On other transcripts: 5 prime UTR variant (8), non-coding transcript variant (2).
Genome position (GRCh38, 1-based): chr5:112,766,329, G>T. VCF-style: chr5-112766329-G-T. GRCh37 (hg19) VCF-style: chr5-112102026-G-T.
Other names: c.139G>T, p.Val47Leu (NM_001127510.3, NM_001354895.2, NM_001354896.2 and 16 more transcripts); c.169G>T, p.Val57Leu (NM_001127511.3, NM_001354897.2, NM_001354902.2 and 1 more transcripts); c.64G>T, p.Val22Leu (NM_001354898.2, NM_001354904.2, NM_001407451.1); c.-39G>T (NM_001354900.2, NM_001354901.2, NM_001354905.2 and 1 more transcripts); c.-897G>T (NM_001354906.2, NM_001407470.1, NM_001407471.1 and 1 more transcripts); c.139G>T (NM_000038.5); short protein forms V47L, V57L, V22L.
Identifiers: ClinVar variation 2750760 (VCV002750760.4), dbSNP rs969611536, ClinGen allele CA16021651.

ClinVar aggregate classification (germline): Uncertain significance. Review status: criteria provided, multiple submitters, no conflicts (2 of 4 stars). 2 submissions from 2 submitters: Uncertain significance (2). Last evaluated 2025-01-31.

Conditions:
Familial adenomatous polyposis 1 (FAP1). Also called: POLYPOSIS, ADENOMATOUS INTESTINAL; FAMILIAL ADENOMATOUS POLYPOSIS 1, ATTENUATED. Identifiers: MedGen C2713442, MONDO:0021056, OMIM 175100. Disease mechanism: loss of function.
Hereditary cancer-predisposing syndrome. Also called: Neoplastic Syndromes, Hereditary; Hereditary Cancer Syndrome; Tumor predisposition; Hereditary neoplastic syndrome. Identifiers: Orphanet 140162, MedGen C0027672, MeSH D009386, MONDO:0015356.

Submissions (2):

Ambry Genetics
Classification: Uncertain significance for Hereditary cancer-predisposing syndrome. Last evaluated: 2025-01-31. Review status: criteria provided, single submitter. Criteria: Ambry Variant Classification Scheme 2023. Collection method: clinical testing. Allele origin: germline.
Comment: The p.V47L variant (also known as c.139G>T), located in coding exon 2 of the APC gene, results from a G to T substitution at nucleotide position 139. The valine at codon 47 is replaced by leucine, an amino acid with highly similar properties. This amino acid position is highly conserved in available vertebrate species. In addition, in silico predictors for this gene do not accurately predict pathogenicity. Missense alterations in APC are not a common cause of disease (Spier I et al. Genet Med. 2024 Feb;26(2):100992). Based on the available evidence, the clinical significance of this variant remains unclear.

Labcorp Genetics (formerly Invitae), Labcorp
Classification: Uncertain significance for Familial adenomatous polyposis 1. Last evaluated: 2023-08-07. Review status: criteria provided, single submitter. Criteria: Invitae Variant Classification Sherloc (09022015). Collection method: clinical testing. Allele origin: germline.
Comment: This sequence change replaces valine, which is neutral and non-polar, with leucine, which is neutral and non-polar, at codon 47 of the APC protein (p.Val47Leu). This variant is not present in population databases (gnomAD no frequency). This variant has not been reported in the literature in individuals affected with APC-related conditions. In summary, the available evidence is currently insufficient to determine the role of this variant in disease. Therefore, it has been classified as a Variant of Uncertain Significance. Advanced modeling of protein sequence and biophysical properties (such as structural, functional, and spatial information, amino acid conservation, physicochemical variation, residue mobility, and thermodynamic stability) performed at Invitae indicates that this missense variant is not expected to disrupt APC protein function.